The following is an entry in ClinVar:

ClinVar aggregate classification (germline): Benign/Likely benign. Review status: criteria provided, multiple submitters, no conflicts (2 of 4 stars). 5 submissions from 5 submitters: Benign (2); Likely benign (2). 1 of the submissions does not count toward it. Last evaluated 2025-12-20.

Conditions:
Cranioectodermal dysplasia 2 (CED2). Identifiers: Orphanet 1515, MedGen C3150874, MONDO:0013323, OMIM 613610.
Short-rib thoracic dysplasia 7 with or without polydactyly (SRTD7). Also called: Short rib polydactyly syndrome 5; SHORT-RIB THORACIC DYSPLASIA 7 WITH POLYDACTYLY. Identifiers: Orphanet 498497, Orphanet 93271, MedGen C3279792, MONDO:0013569, OMIM 614091.
WDR35-related disorder. Also called: WDR35-related disorders; WDR35-related condition. Identifiers: MedGen CN239419.

Allele frequency attached by ClinVar (database versions not stated): ExAC 0.00072; 1000 Genomes Project 30x 0.00234; 1000 Genomes Project 0.00240; gnomAD 0.00250 and 0.00263; TOPMed 0.00257; ESP Exome Variant Server 0.00284; gnomAD exomes 0.00024 and 0.00056.
gnomAD v4.1: 750 of 1,613,756 alleles (0.046%); highest among the groups gnomAD compares: African/African-American, 0.9%; 9 homozygotes.

Submissions (5):

Labcorp Genetics (formerly Invitae), Labcorp
Classification: Benign for Cranioectodermal dysplasia 2; Short-rib thoracic dysplasia 7 with or without polydactyly. Last evaluated: 2025-12-20. Review status: criteria provided, single submitter. Criteria: Invitae Variant Classification Sherloc (09022015). Collection method: clinical testing. Allele origin: germline.

CeGaT Center for Human Genetics Tuebingen
Classification: Likely benign. Last evaluated: 2025-05-01. Review status: criteria provided, single submitter. Criteria: CeGaT Center For Human Genetics Tuebingen Variant Classification Criteria Version 2. Collection method: clinical testing. Allele origin: germline. Affected: yes. Observed: 1 variant allele.
Comment: WDR35: BP4, BP7

GeneDx
Classification: Likely benign. Last evaluated: 2021-06-15. Review status: criteria provided, single submitter. Criteria: GeneDx Variant Classification Process June 2021. Collection method: clinical testing. Allele origin: germline. Affected: yes.

Eurofins Ntd Llc (ga)
Classification: Benign. Last evaluated: 2017-01-09. Review status: criteria provided, single submitter. Criteria: EGL Classification Definitions 2015. Collection method: clinical testing. Allele origin: germline. Observed: 1 variant allele, 1 heterozygote.

PreventionGenetics, part of Exact Sciences
Classification: Benign for WDR35-related condition. Last evaluated: 2019-07-31. Review status: no assertion criteria provided. Collection method: clinical testing. Allele origin: germline. Not counted in ClinVar's aggregate classification.
Comment: This variant is classified as benign based on ACMG/AMP sequence variant interpretation guidelines (Richards et al. 2015 PMID: 25741868, with internal and published modifications).

NM_020779.4(WDR35):c.318T>C (p.Ile106=)

Gene: WDR35 (WD repeat domain 35; minus strand). Cytogenetic location: 2p24.1.
Variant type: single nucleotide variant.
Coding change: c.318T>C on transcript NM_020779.4 (MANE Select); coding-DNA position 318, T replaced by C.
Protein change: p.Ile106=; no amino-acid change (isoleucine 106 retained).
Molecular consequence: synonymous variant.
Genome position (GRCh38, 1-based): chr2:19,978,869, A>G on the plus strand (T>C on the coding strand, the complement: WDR35 is on the minus strand). VCF-style: chr2-19978869-A-G. GRCh37 (hg19) VCF-style: chr2-20178630-A-G.
Other names: c.318T>C, p.Ile106= (NM_001006657.2).
Identifiers: ClinVar variation 499132 (VCV000499132.30), dbSNP rs115963122, ClinGen allele CA1543558.